The following is an entry in ClinVar:

ClinVar aggregate classification (germline): Pathogenic (1 of 4 stars; one submission).

Conditions:
Bethlem myopathy 1A. Also called: Bethlem myopathy 1; MYOPATHY, BENIGN CONGENITAL, WITH CONTRACTURES; Bethlem Muscular Dystrophy. Identifiers: Orphanet 610, MedGen CN029274, MONDO:0024530, OMIM 158810.

Submission:

Labcorp Genetics (formerly Invitae), Labcorp
Classification: Pathogenic for Bethlem myopathy 1A. Last evaluated: 2017-07-16. Review status: criteria provided, single submitter. Criteria: Invitae Variant Classification Sherloc (09022015). Collection method: clinical testing. Allele origin: germline.
Comment: This variant is not present in population databases (ExAC no frequency). This variant has not been reported in the literature in individuals with COL6A2-related disease. Loss-of-function variants in COL6A2 are known to be pathogenic (PMID: 19884007, 20976770). For these reasons, this variant has been classified as Pathogenic. This sequence change creates a premature translational stop signal (p.Lys432*) in the COL6A2 gene. It is expected to result in an absent or disrupted protein product.

Literature cited by the submitters: PubMed 19884007; PubMed 20976770.

NM_001849.4(COL6A2):c.1294A>T (p.Lys432Ter)

Gene: COL6A2 (collagen type VI alpha 2 chain; plus strand). Cytogenetic location: 21q22.3.
Variant type: single nucleotide variant.
Coding change: c.1294A>T on transcript NM_001849.4 (MANE Select); coding-DNA position 1294, A replaced by T.
Protein change: p.Lys432Ter; replaces lysine 432 with a stop codon.
Molecular consequence: nonsense.
Genome position (GRCh38, 1-based): chr21:46,119,812, A>T. VCF-style: chr21-46119812-A-T. GRCh37 (hg19) VCF-style: chr21-47539726-A-T.
Other names: c.1294A>T, p.Lys432Ter (NM_058174.3, NM_058175.3); short protein forms K432*.
Identifiers: ClinVar variation 571000 (VCV000571000.7), dbSNP rs752730608, ClinGen allele CA410530373.